The following is an entry in ClinVar:

NM_002430.3(MN1):c.3457C>T (p.Leu1153=)

Gene: MN1 (MN1 proto-oncogene, transcriptional regulator; minus strand). Cytogenetic location: 22q12.1.
Variant type: single nucleotide variant.
Coding change: c.3457C>T on transcript NM_002430.3 (MANE Select); coding-DNA position 3457, C replaced by T.
Protein change: p.Leu1153=; no amino-acid change (leucine 1153 retained).
Molecular consequence: synonymous variant.
Genome position (GRCh38, 1-based): chr22:27,797,087, G>A on the plus strand (C>T on the coding strand, the complement: MN1 is on the minus strand). VCF-style: chr22-27797087-G-A. GRCh37 (hg19) VCF-style: chr22-28193075-G-A.
Identifiers: ClinVar variation 2653013 (VCV002653013.24), dbSNP rs751356858, ClinGen allele CA10166049.
Genomic context (GRCh38, chr22:27,797,087, plus strand): 5'-GGTCCTCGGAGATGCTGAACTGCTGCCTCTGTAGCTGGATCTGCGCCTGAAGGATCTCCA[G>A]GGGGTGGATCTCGTCGGGTGGCGGGGCGCCGCTGCTGCTCGTCGGGGTGCGGACCTGCTC-3'
Protein context (NP_002421.3, residues 1143-1163): GAPPPDEIHP[Leu1153=]EILQAQIQLQ

ClinVar aggregate classification (germline): Likely benign (1 of 4 stars; one submission).

Allele frequency attached by ClinVar (database versions not stated): TOPMed 0.00001; gnomAD 0.00002; ExAC 0.00011.
gnomAD v4.1: 151 of 1,610,236 alleles (0.0094%); highest among the groups gnomAD compares: Non-Finnish European, 0.012%; no homozygotes.

Submission:

CeGaT Center for Human Genetics Tuebingen
Classification: Likely benign. Last evaluated: 2023-01-01. Review status: criteria provided, single submitter. Criteria: CeGaT Center For Human Genetics Tuebingen Variant Classification Criteria Version 2. Collection method: clinical testing. Allele origin: germline. Affected: yes. Observed: 1 variant allele.
Comment: MN1: BP4, BS2